The following is an entry in ClinVar:

NM_002202.3(ISL1):c.1029A>G (p.Val343=)

Gene: ISL1 (ISL LIM homeobox 1; plus strand). Cytogenetic location: 5q11.1.
Variant type: single nucleotide variant.
Coding change: c.1029A>G on transcript NM_002202.3 (MANE Select); coding-DNA position 1029, A replaced by G.
Protein change: p.Val343=; no amino-acid change (valine 343 retained).
Molecular consequence: synonymous variant.
Genome position (GRCh38, 1-based): chr5:51,393,589, A>G. VCF-style: chr5-51393589-A-G. GRCh37 (hg19) VCF-style: chr5-50689423-A-G.
Identifiers: ClinVar variation 3350638 (VCV003350638.1).
Genomic context (GRCh38, chr5:51,393,589, plus strand): 5'-CACTGGCAGTGAAGTAGCATCAATGTCCTCTCAACTTCCAGATACACCTAACAGCATGGT[A>G]GCCAGTCCTATTGAGGCATGAGGAACATTCATTCTGTATTTTTTTTCCCTGTTGGAGAAA-3'
Protein context (NP_002193.2, residues 333-349): SQLPDTPNSM[Val343=]ASPIEA

ClinVar aggregate classification (germline): Likely benign (0 of 4 stars; one submission).

Conditions:
ISL1-related disorder. Also called: ISL1-related condition.

gnomAD v4.1: 16 of 1,605,484 alleles (0.001%); highest among the groups gnomAD compares: Admixed American, 0.0017%; no homozygotes.

Submission:

PreventionGenetics, part of Exact Sciences
Classification: Likely benign for ISL1-related condition. Last evaluated: 2022-09-13. Review status: no assertion criteria provided. Collection method: clinical testing. Allele origin: germline.
Comment: This variant is classified as likely benign based on ACMG/AMP sequence variant interpretation guidelines (Richards et al. 2015 PMID: 25741868, with internal and published modifications).